The following is an entry in ClinVar:

NM_000059.4(BRCA2):c.627C>T (p.Leu209=)

Gene: BRCA2 (BRCA2 DNA repair associated; plus strand). Cytogenetic location: 13q13.1.
Variant type: single nucleotide variant.
Coding change: c.627C>T on transcript NM_000059.4 (MANE Select); coding-DNA position 627, C replaced by T.
Protein change: p.Leu209=; no amino-acid change (leucine 209 retained).
Molecular consequence: synonymous variant.
Genome position (GRCh38, 1-based): chr13:32,326,609, C>T. VCF-style: chr13-32326609-C-T. GRCh37 (hg19) VCF-style: chr13-32900746-C-T.
Other names: p.L209L:CTC>CTT.
Identifiers: ClinVar variation 182278 (VCV000182278.29), dbSNP rs28897704, ClinGen allele CA023814.

ClinVar aggregate classification (germline): Likely benign. Review status: reviewed by expert panel (3 of 4 stars). 13 submissions from 13 submitters: Likely benign (1). 12 of the submissions do not count toward it. Last evaluated 2017-06-29.

Conditions:
Hereditary cancer-predisposing syndrome. Also called: Tumor predisposition; Neoplastic Syndromes, Hereditary; Hereditary neoplastic syndrome; Hereditary Cancer Syndrome. Identifiers: Orphanet 140162, MedGen C0027672, MeSH D009386, MONDO:0015356.
Hereditary breast ovarian cancer syndrome. Also called: Hereditary breast and ovarian cancer syndrome; Hereditary breast and ovarian cancer syndrome (HBOC); Hereditary breast and ovarian cancer; Breast and ovarian cancer; BRCA1- and BRCA2-Associated Hereditary Breast and Ovarian Cancer; Hereditary breast and/or ovarian cancer syndrome. Identifiers: Orphanet 145, MedGen C0677776, MeSH D061325, MONDO:0003582. Disease mechanism: loss of function.
Breast-ovarian cancer, familial, susceptibility to, 2 (BROVCA2). Also called: BRCA2 Hereditary Breast and Ovarian Cancer. Identifiers: Orphanet 145, MedGen C2675520, MONDO:0012933, OMIM 612555. Disease mechanism: loss of function.
Familial cancer of breast. Also called: BREAST CANCER, FAMILIAL; hereditary breast carcinoma; Hereditary breast cancer. Identifiers: Orphanet 227535, MedGen C0346153, MONDO:0016419, OMIM 114480. Disease mechanism: loss of function.

Allele frequency attached by ClinVar (database versions not stated): gnomAD 0.00003.
gnomAD v4.1: 4 of 1,590,476 alleles (0.00025%); highest among the groups gnomAD compares: East Asian, 0.0022%; no homozygotes.

Submissions (13):

Evidence-based Network for the Interpretation of Germline Mutant Alleles (ENIGMA)
Classification: Likely benign for Breast-ovarian cancer, familial, susceptibility to, 2. Last evaluated: 2017-06-29. Review status: reviewed by expert panel. Criteria: ENIGMA BRCA1/2 Classification Criteria (2017-06-29). Collection method: curation. Allele origin: germline.
Comment: Synonymous substitution variant, with low bioinformatic likelihood to result in a splicing aberration (Splicing prior probability 0.02).

Labcorp Genetics (formerly Invitae), Labcorp
Classification: Benign for Hereditary breast ovarian cancer syndrome. Last evaluated: 2025-11-27. Review status: criteria provided, single submitter. Criteria: Invitae Variant Classification Sherloc (09022015). Collection method: clinical testing. Allele origin: germline. Not counted in ClinVar's aggregate classification.

Quest Diagnostics Nichols Institute San Juan Capistrano
Classification: Likely benign. Last evaluated: 2025-04-21. Review status: criteria provided, single submitter. Criteria: Quest Diagnostics criteria. Collection method: clinical testing. Allele origin: unknown. Not counted in ClinVar's aggregate classification.

KCCC/NGS Laboratory, Kuwait Cancer Control Center
Classification: Benign for Familial cancer of breast. Last evaluated: 2025-02-01. Review status: criteria provided, single submitter. Criteria: ACMG Guidelines, 2015. Collection method: clinical testing. Allele origin: germline. Affected: no. Not counted in ClinVar's aggregate classification.

Blueprint Genetics
Classification: Likely benign. Last evaluated: 2024-10-10. Review status: criteria provided, single submitter. Criteria: ACMG Guidelines, 2015. Collection method: clinical testing. Allele origin: germline. Not counted in ClinVar's aggregate classification.

ARUP Laboratories, Molecular Genetics and Genomics, ARUP Laboratories
Classification: Likely benign. Last evaluated: 2024-03-18. Review status: criteria provided, single submitter. Criteria: ARUP Molecular Germline Variant Investigation Process 2024. Collection method: clinical testing. Allele origin: germline. Not counted in ClinVar's aggregate classification.

Women's Health and Genetics/Laboratory Corporation of America, LabCorp
Classification: Likely benign. Last evaluated: 2024-03-06. Review status: criteria provided, single submitter. Criteria: LabCorp Variant Classification Summary - May 2015. Collection method: clinical testing. Allele origin: germline. Not counted in ClinVar's aggregate classification.

Sema4
Classification: Likely benign for Hereditary cancer-predisposing syndrome. Last evaluated: 2021-11-23. Review status: criteria provided, single submitter. Criteria: Sema4 Curation Guidelines. Collection method: curation. Allele origin: germline. Not counted in ClinVar's aggregate classification.

PreventionGenetics, part of Exact Sciences
Classification: Likely benign. Last evaluated: 2017-10-27. Review status: criteria provided, single submitter. Criteria: ACMG Guidelines, 2015. Collection method: clinical testing. Allele origin: germline. Not counted in ClinVar's aggregate classification.

Color Diagnostics, LLC DBA Color Health
Classification: Likely benign for Hereditary cancer-predisposing syndrome. Last evaluated: 2015-07-21. Review status: criteria provided, single submitter. Criteria: ACMG Guidelines, 2015. Collection method: clinical testing. Allele origin: germline. Not counted in ClinVar's aggregate classification.

Ambry Genetics
Classification: Likely benign for Hereditary cancer-predisposing syndrome. Last evaluated: 2014-09-08. Review status: criteria provided, single submitter. Criteria: Ambry Variant Classification Scheme 2023. Collection method: clinical testing. Allele origin: germline. Not counted in ClinVar's aggregate classification.

GeneDx
Classification: Benign. Last evaluated: 2014-07-29. Review status: criteria provided, single submitter. Criteria: GeneDx Variant Classification (06012015). Collection method: clinical testing. Allele origin: germline. Affected: yes. Not counted in ClinVar's aggregate classification.
Comment: This variant is considered likely benign or benign based on one or more of the following criteria: it is a conservative change, it occurs at a poorly conserved position in the protein, it is predicted to be benign by multiple in silico algorithms, and/or has population frequency not consistent with disease.

Department of Pathology and Laboratory Medicine, Sinai Health System
Classification: Benign for Breast-ovarian cancer, familial, susceptibility to, 2. Review status: no assertion criteria provided. Collection method: clinical testing. Allele origin: unknown. Affected: yes. Study: The Canadian Open Genetics Repository (COGR). Not counted in ClinVar's aggregate classification.
Comment: The BRCA2 p.Leu209Leu variant was identified by Giacomo (Giacomo 2013) in an individual with Breast Cancer. The variant was also identified in dbSNP (ID: rs28897704) â€šÃ„ÃºWith benign alleleâ€šÃ„Ã¹, but no frequency information was provided, thus the prevalence of this variant in the general population could not be determined; in the Exome Aggregation Consortium (ExAC) database (released Oct 20th, 2014) in 2 of 121164 chromosomes (frequency: 0.0000) or 1 European (Non-Finnish) and 1 East Asian individuals, and none from a population of East Asian, Other, African, Latino, South Asian, and European (Finnish) individuals; the ClinVar database (classified as a benign variant by GeneDx and likely benign by Ambry Genetics), and UMD (1X as a 3-UV variant). The p.Leu209Leu variant is not expected to have clinical significance because it does not result in a change of amino acid and is not located in a known consensus splice site. In addition, in silico or computational prediction software programs (SpliceSiteFinder, MaxEntScan, NNSPLICE, GeneSplicer, HumanSpliceFinder) do not predict a difference in splicing. The BRCA2 p.Leu209Leu variant did not show exon skipping in functional assays combining minigene assays and analysis of patient RNA, contradicting the bioinformatics approach of using ESRseq scores to evaluate RNA hexamers as potential exonic splicing elements (Di Giacomo 2013). In summary, based on the above information, this variant meets our laboratory's criteria to be classified as benign.

Literature cited by the submitters: PubMed 26761715 (cited by Quest Diagnostics Nichols Institute San Juan Capistrano and Women's Health and Genetics/Laboratory Corporation of America, LabCorp); PubMed 23983145 (cited by Quest Diagnostics Nichols Institute San Juan Capistrano and Women's Health and Genetics/Laboratory Corporation of America, LabCorp).